The following is an entry in ClinVar:

NM_001330078.2(NRXN1):c.1307G>A (p.Gly436Asp)

Gene: NRXN1 (neurexin 1; minus strand). Cytogenetic location: 2p16.3.
Variant type: single nucleotide variant.
Coding change: c.1307G>A on transcript NM_001330078.2 (MANE Select); coding-DNA position 1307, G replaced by A.
Protein change: p.Gly436Asp; replaces glycine 436 with aspartic acid.
Molecular consequence: missense variant.
Genome position (GRCh38, 1-based): chr2:50,620,035, C>T on the plus strand (G>A on the coding strand, the complement: NRXN1 is on the minus strand). VCF-style: chr2-50620035-C-T. GRCh37 (hg19) VCF-style: chr2-50847173-C-T.
Other names: c.1283G>A, p.Gly428Asp (NM_001330082.2, NM_001330095.2, NM_001330077.2); c.1268G>A, p.Gly423Asp (NM_001330083.2, NM_001330084.2); c.1307G>A, p.Gly436Asp (NM_001330085.2, NM_001330086.2, NM_004801.6); c.1223G>A, p.Gly408Asp (NM_001330087.2, NM_001330096.2); c.1253G>A, p.Gly418Asp (NM_001330088.2); c.1304G>A, p.Gly435Asp (NM_001330093.2); c.1295G>A, p.Gly432Asp (NM_001330094.2); c.1427G>A, p.Gly476Asp (NM_001135659.3); short protein forms G476D, G432D, G418D, G428D, G436D, G423D, G408D, G435D.
Identifiers: ClinVar variation 378289 (VCV000378289.7), dbSNP rs1057520337, ClinGen allele CA16604332.
Genomic context (GRCh38, chr2:50,620,035, plus strand): 5'-TGATGAGACCATGAATTAGGAATGATTCTGATGGCAACGATATTTACCTCTTTGAGACAG[C>T]CCATAAAGTTGTTACTGACTGGTGACCCTGGAAGGTCGGCTGTGCTGGGACTGCCTCCAA-3'
Protein context (NP_001317007.1, residues 426-446): PGSPVSNNFM[Gly436Asp]CLKEVVYKNN

ClinVar aggregate classification (germline): Uncertain significance. Review status: criteria provided, multiple submitters, no conflicts (2 of 4 stars). 2 submissions from 2 submitters: Uncertain significance (2). Last evaluated 2025-06-09.

Conditions:
Pitt-Hopkins-like syndrome 2 (PTHSL2). Identifiers: Orphanet 221150, Orphanet 600663, MedGen C3280479, MONDO:0013690, OMIM 614325.

Submissions (2):

Labcorp Genetics (formerly Invitae), Labcorp
Classification: Uncertain significance for Pitt-Hopkins-like syndrome 2. Last evaluated: 2025-06-09. Review status: criteria provided, single submitter. Criteria: Invitae Variant Classification Sherloc (09022015). Collection method: clinical testing. Allele origin: germline.
Comment: This sequence change replaces glycine, which is neutral and non-polar, with aspartic acid, which is acidic and polar, at codon 476 of the NRXN1 protein (p.Gly476Asp). This variant is not present in population databases (gnomAD no frequency). This variant has not been reported in the literature in individuals affected with NRXN1-related conditions. ClinVar contains an entry for this variant (Variation ID: 378289). An algorithm developed to predict the effect of missense changes on protein structure and function (PolyPhen-2) suggests that this variant is likely to be disruptive. In summary, the available evidence is currently insufficient to determine the role of this variant in disease. Therefore, it has been classified as a Variant of Uncertain Significance.

GeneDx
Classification: Uncertain significance. Last evaluated: 2024-11-17. Review status: criteria provided, single submitter. Criteria: GeneDx Variant Classification Process June 2021. Collection method: clinical testing. Allele origin: germline. Affected: yes.
Comment: Not observed at significant frequency in large population cohorts (gnomAD); In silico analysis supports that this missense variant has a deleterious effect on protein structure/function; Has not been previously published as pathogenic or benign to our knowledge